The following is an entry in ClinVar:

NM_001127208.3(TET2):c.367C>G (p.Arg123Gly)

Genes: TET2 (tet methylcytosine dioxygenase 2; plus strand), TET2-AS1 (TET2 antisense RNA 1; minus strand). Cytogenetic location: 4q24.
Variant type: single nucleotide variant.
Coding change: c.367C>G on transcript NM_001127208.3 (MANE Select); coding-DNA position 367, C replaced by G.
Protein change: p.Arg123Gly; replaces arginine 123 with glycine.
Molecular consequence: missense variant.
Genome position (GRCh38, 1-based): chr4:105,234,309, C>G. VCF-style: chr4-105234309-C-G. GRCh37 (hg19) VCF-style: chr4-106155466-C-G.
Other names: c.367C>G, p.Arg123Gly (NM_017628.4); short protein forms R123G.
Identifiers: ClinVar variation 3455307 (VCV003455307.1).

ClinVar aggregate classification (germline): Uncertain significance (1 of 4 stars; one submission).

gnomAD v4.1: 9 of 1,613,958 alleles (0.00056%); highest among the groups gnomAD compares: South Asian, 0.0022%; no homozygotes.

Submission:

Ambry Genetics
Classification: Uncertain significance. Last evaluated: 2024-11-21. Review status: criteria provided, single submitter. Criteria: Ambry Variant Classification Scheme 2023. Collection method: clinical testing. Allele origin: germline.
Comment: The p.R123G variant (also known as c.367C>G), located in coding exon 1 of the TET2 gene, results from a C to G substitution at nucleotide position 367. The arginine at codon 123 is replaced by glycine, an amino acid with dissimilar properties. This amino acid position is conserved. In addition, this alteration is predicted to be tolerated by in silico analysis. Based on the available evidence, the clinical significance of this variant remains unclear.